The following is an entry in ClinVar:

NM_002234.4(KCNA5):c.962C>T (p.Ala321Val)

Gene: KCNA5 (potassium voltage-gated channel subfamily A member 5; plus strand). Cytogenetic location: 12p13.32.
Variant type: single nucleotide variant.
Coding change: c.962C>T on transcript NM_002234.4 (MANE Select); coding-DNA position 962, C replaced by T.
Protein change: p.Ala321Val; replaces alanine 321 with valine.
Molecular consequence: missense variant.
Genome position (GRCh38, 1-based): chr12:5,045,109, C>T. VCF-style: chr12-5045109-C-T. GRCh37 (hg19) VCF-style: chr12-5154275-C-T.
Other names: short protein forms A321V.
Identifiers: ClinVar variation 1015513 (VCV001015513.9), dbSNP rs529780345, ClinGen allele CA6399770.

ClinVar aggregate classification (germline): Uncertain significance (1 of 4 stars; one submission).

Conditions:
Atrial fibrillation, familial, 7 (ATFB7). Identifiers: MedGen C2677106, MONDO:0012828, OMIM 612240.

Allele frequency attached by ClinVar (database versions not stated): gnomAD exomes below 0.00001 and 0.00001; ExAC 0.00001; gnomAD 0.00001 and 0.00002; TOPMed 0.00001; 1000 Genomes Project 30x 0.00016; 1000 Genomes Project 0.00020.
gnomAD v4.1: 5 of 1,613,730 alleles (0.00031%); highest among the groups gnomAD compares: Admixed American, 0.0033%; no homozygotes.

Submission:

Labcorp Genetics (formerly Invitae), Labcorp
Classification: Uncertain significance for Atrial fibrillation, familial, 7. Last evaluated: 2024-05-06. Review status: criteria provided, single submitter. Criteria: Invitae Variant Classification Sherloc (09022015). Collection method: clinical testing. Allele origin: germline.
Comment: This sequence change replaces alanine, which is neutral and non-polar, with valine, which is neutral and non-polar, at codon 321 of the KCNA5 protein (p.Ala321Val). This variant is present in population databases (rs529780345, gnomAD 0.003%). This variant has not been reported in the literature in individuals affected with KCNA5-related conditions. ClinVar contains an entry for this variant (Variation ID: 1015513). Advanced modeling of protein sequence and biophysical properties (such as structural, functional, and spatial information, amino acid conservation, physicochemical variation, residue mobility, and thermodynamic stability) performed at Invitae indicates that this missense variant is not expected to disrupt KCNA5 protein function with a negative predictive value of 80%. In summary, the available evidence is currently insufficient to determine the role of this variant in disease. Therefore, it has been classified as a Variant of Uncertain Significance.